The following is an entry in ClinVar:

NM_005732.4(RAD50):c.3356A>C (p.Lys1119Thr)

Gene: RAD50 (RAD50 double strand break repair protein; plus strand). Cytogenetic location: 5q31.1.
Variant type: single nucleotide variant.
Coding change: c.3356A>C on transcript NM_005732.4 (MANE Select); coding-DNA position 3356, A replaced by C.
Protein change: p.Lys1119Thr; replaces lysine 1119 with threonine.
Molecular consequence: missense variant.
Genome position (GRCh38, 1-based): chr5:132,618,261, A>C. VCF-style: chr5-132618261-A-C. GRCh37 (hg19) VCF-style: chr5-131953953-A-C.
Other names: short protein forms K1119T.
Identifiers: ClinVar variation 934894 (VCV000934894.10), dbSNP rs1751214253, ClinGen allele CA360964974.

ClinVar aggregate classification (germline): Uncertain significance (1 of 4 stars; one submission).

Conditions:
Hereditary cancer-predisposing syndrome. Also called: Neoplastic Syndromes, Hereditary; Hereditary Cancer Syndrome; Hereditary neoplastic syndrome; Tumor predisposition. Identifiers: Orphanet 140162, MedGen C0027672, MeSH D009386, MONDO:0015356.

Submission:

Labcorp Genetics (formerly Invitae), Labcorp
Classification: Uncertain significance for Hereditary cancer-predisposing syndrome. Last evaluated: 2019-06-24. Review status: criteria provided, single submitter. Criteria: Invitae Variant Classification Sherloc (09022015). Collection method: clinical testing. Allele origin: germline.
Comment: This sequence change replaces lysine with threonine at codon 1119 of the RAD50 protein (p.Lys1119Thr). The lysine residue is moderately conserved and there is a moderate physicochemical difference between lysine and threonine. This variant is not present in population databases (ExAC no frequency). This variant has not been reported in the literature in individuals with RAD50-related conditions. Algorithms developed to predict the effect of missense changes on protein structure and function (SIFT, PolyPhen-2, Align-GVGD) all suggest that this variant is likely to be tolerated, but these predictions have not been confirmed by published functional studies and their clinical significance is uncertain. In summary, the available evidence is currently insufficient to determine the role of this variant in disease. Therefore, it has been classified as a Variant of Uncertain Significance.